The following is an entry in ClinVar:

NM_000059.4(BRCA2):c.8627A>C (p.His2876Pro)

Gene: BRCA2 (BRCA2 DNA repair associated; plus strand). Cytogenetic location: 13q13.1.
Variant type: single nucleotide variant.
Coding change: c.8627A>C on transcript NM_000059.4 (MANE Select); coding-DNA position 8627, A replaced by C.
Protein change: p.His2876Pro; replaces histidine 2876 with proline.
Molecular consequence: missense variant.
Genome position (GRCh38, 1-based): chr13:32,371,095, A>C. VCF-style: chr13-32371095-A-C. GRCh37 (hg19) VCF-style: chr13-32945232-A-C.
Other names: short protein forms H2876P.
Identifiers: ClinVar variation 409568 (VCV000409568.11), dbSNP rs1060502470, ClinGen allele CA16614013.

ClinVar aggregate classification (germline): Uncertain significance. Review status: criteria provided, single submitter (1 of 4 stars). 2 submissions from 2 submitters: Uncertain significance (1). 1 of the submissions does not count toward it. Last evaluated 2023-12-25.

Conditions:
Hereditary breast ovarian cancer syndrome. Also called: Hereditary breast and ovarian cancer; Hereditary breast and/or ovarian cancer syndrome; BRCA1- and BRCA2-Associated Hereditary Breast and Ovarian Cancer; Hereditary breast and ovarian cancer syndrome; Hereditary breast and ovarian cancer syndrome (HBOC); Breast and ovarian cancer. Identifiers: Orphanet 145, MedGen C0677776, MeSH D061325, MONDO:0003582. Disease mechanism: loss of function.
Malignant tumor of breast. Also called: Malignant breast neoplasm; Cancer breast. Identifiers: MedGen C0006142, MONDO:0007254. Disease mechanism: loss of function.

Submissions (2):

Labcorp Genetics (formerly Invitae), Labcorp
Classification: Uncertain significance for Hereditary breast ovarian cancer syndrome. Last evaluated: 2023-12-25. Review status: criteria provided, single submitter. Criteria: Invitae Variant Classification Sherloc (09022015). Collection method: clinical testing. Allele origin: germline.
Comment: This sequence change replaces histidine, which is basic and polar, with proline, which is neutral and non-polar, at codon 2876 of the BRCA2 protein (p.His2876Pro). This variant is not present in population databases (gnomAD no frequency). This variant has not been reported in the literature in individuals affected with BRCA2-related conditions. ClinVar contains an entry for this variant (Variation ID: 409568). Advanced modeling of protein sequence and biophysical properties (such as structural, functional, and spatial information, amino acid conservation, physicochemical variation, residue mobility, and thermodynamic stability) performed at Invitae indicates that this missense variant is not expected to disrupt BRCA2 protein function with a negative predictive value of 95%. In summary, the available evidence is currently insufficient to determine the role of this variant in disease. Therefore, it has been classified as a Variant of Uncertain Significance.

Department of Pathology and Laboratory Medicine, Sinai Health System
Classification: Uncertain significance for Malignant tumor of breast. Review status: no assertion criteria provided. Collection method: clinical testing. Allele origin: unknown. Affected: yes. Study: The Canadian Open Genetics Repository (COGR). Not counted in ClinVar's aggregate classification.
Comment: The BRCA2 p.His2876Pro variant was not identified in the literature nor was it identified in the dbSNP, NHLBI Exome Sequencing Project (Exome Variant Server), HGMD, LOVD, COSMIC, ClinVar, Exome Aggregation Consortium (ExAC), or BIC databases. The variant was identified in one sample in the UMD, as an unclassified variant. The variant occurs outside of the splicing consensus sequence and in silico or computational prediction software programs (SpliceSiteFinder, MaxEntScan, NNSPLICE, GeneSplicer, HumanSpliceFinder) do not predict a difference in splicing. The p.His2876 residue is not conserved in mammals and computational analyses (PolyPhen-2, SIFT, AlignGVGD, BLOSUM, MutationTaster) provide inconsistent predictions regarding the impact to the protein; this information is not very predictive of pathogenicity. In summary, based on the above information, the clinical significance of this variant cannot be determined with certainty at this time. This variant is classified as a variant of unknown significance.